The following is an entry in ClinVar:

NM_007294.4(BRCA1):c.5052_5053dup (p.Thr1685fs)

Gene: BRCA1 (BRCA1 DNA repair associated; minus strand). Cytogenetic location: 17q21.31.
Variant type: Duplication.
Coding change: c.5052_5053dup on transcript NM_007294.4 (MANE Select); coding-DNA positions 5052 to 5053, 2 bases duplicated (TA; older notation c.5052_5053dupTA).
Protein change: p.Thr1685fs; shifts the reading frame from threonine 1685.
Molecular consequence: frameshift variant. On other transcripts: non-coding transcript variant (1).
Genome position (GRCh38, 1-based): chr17:43,067,629-43,067,630, TA duplicated on the plus strand (TA on the coding strand, the reverse complement: BRCA1 is on the minus strand). VCF-style (leftmost placement, unchanged base first): chr17-43067628-G-GTA. GRCh37 (hg19) VCF-style: chr17-41219645-G-GTA.
Other names: c.5052_5053dupTA (NM_007294.3); c.4926_4927dup, p.Thr1643Ilefs (NM_001407940.1, NM_001407670.1, NM_001407671.1 and 11 more transcripts); c.4923_4924dup, p.Thr1642Ilefs (NM_001407941.1, NM_001407681.1, NM_001407682.1 and 6 more transcripts); c.4911_4912dup, p.Thr1638Ilefs (NM_001407942.1, NM_001407692.1, NM_001407694.1 and 12 more transcripts); c.4908_4909dup, p.Thr1637Ilefs (NM_001407943.1, NM_001407944.1, NM_001407945.1 and 21 more transcripts); c.4719_4720dup, p.Thr1574Ilefs (NM_001407946.1, NM_001407947.1, NM_001407948.1 and 1 more transcripts); c.4716_4717dup, p.Thr1573Ilefs (NM_001407950.1, NM_001407951.1, NM_001407952.1 and 3 more transcripts); c.4713_4714dup, p.Thr1572Ilefs (NM_001407956.1, NM_001407957.1, NM_001407958.1); and 74 more; short protein forms T581fs, T1638fs, T1685fs, T1706fs.
Identifiers: ClinVar variation 825405 (VCV000825405.5), dbSNP rs1597825743, ClinGen allele CA915950096.

ClinVar aggregate classification (germline): Pathogenic (1 of 4 stars; one submission).

Conditions:
Hereditary cancer-predisposing syndrome. Also called: Neoplastic Syndromes, Hereditary; Tumor predisposition; Hereditary neoplastic syndrome; Hereditary Cancer Syndrome. Identifiers: Orphanet 140162, MedGen C0027672, MeSH D009386, MONDO:0015356.

Submission:

Ambry Genetics
Classification: Pathogenic for Hereditary cancer-predisposing syndrome. Last evaluated: 2018-05-30. Review status: criteria provided, single submitter. Criteria: Ambry Variant Classification Scheme 2023. Collection method: clinical testing. Allele origin: germline.
Comment: The c.5052_5053dupTA pathogenic mutation, located in coding exon 15 of the BRCA1 gene, results from a duplication of TA at nucleotide position 5052, causing a translational frameshift with a predicted alternate stop codon (p.T1685Ifs*6). This alteration is expected to result in loss of function by premature protein truncation or nonsense-mediated mRNA decay. As such, this alteration is interpreted as a disease-causing mutation.